The following is an entry in ClinVar:

NM_000112.4(SLC26A2):c.902A>G (p.Asn301Ser)

Gene: SLC26A2 (solute carrier family 26 member 2; plus strand). Cytogenetic location: 5q32.
Variant type: single nucleotide variant.
Coding change: c.902A>G on transcript NM_000112.4 (MANE Select); coding-DNA position 902, A replaced by G.
Protein change: p.Asn301Ser; replaces asparagine 301 with serine.
Molecular consequence: missense variant.
Genome position (GRCh38, 1-based): chr5:149,980,495, A>G. VCF-style: chr5-149980495-A-G. GRCh37 (hg19) VCF-style: chr5-149360058-A-G.
Other names: short protein forms N301S.
Identifiers: ClinVar variation 1063114 (VCV001063114.6), dbSNP rs750646790, ClinGen allele CA3505352.

ClinVar aggregate classification (germline): Uncertain significance. Review status: criteria provided, single submitter (1 of 4 stars). 2 submissions from 2 submitters: Uncertain significance (1). 1 of the submissions does not count toward it. Last evaluated 2025-05-19.

Conditions:
Achondrogenesis, type IB (ACG1B). Also called: Achondrogenesis Type 1B. Identifiers: Orphanet 932, Orphanet 93298, MedGen C0265274, MONDO:0010966, OMIM 600972.
Multiple epiphyseal dysplasia type 4 (EDM4). Also called: MULTIPLE EPIPHYSEAL DYSPLASIA WITH BILAYERED PATELLAE; MULTIPLE EPIPHYSEAL DYSPLASIA WITH CLUBFOOT; MULTIPLE EPIPHYSEAL DYSPLASIA, AUTOSOMAL RECESSIVE; Multiple Epiphyseal Dysplasia, Recessive; SLC26A2-Related Multiple Epiphyseal Dysplasia. Identifiers: Orphanet 93307, MedGen C1847593, MONDO:0009189, OMIM 226900.
Atelosteogenesis type II (AO2). Also called: NEONATAL OSSEOUS DYSPLASIA I; SLC26A2-Related Atelosteogenesis; Neonatal osseous dysplasia 1. Identifiers: Orphanet 56304, MedGen C1850554, MONDO:0009727, OMIM 256050.
Diastrophic dysplasia (DTD). Also called: Diastrophic dwarfism. Identifiers: Orphanet 628, MedGen C0220726, MONDO:0009107, OMIM 222600.

Allele frequency attached by ClinVar (database versions not stated): gnomAD exomes below 0.00001 and 0.00001; ExAC 0.00001; TOPMed 0.00001.
gnomAD v4.1: 7 of 1,613,842 alleles (0.00043%); highest among the groups gnomAD compares: African/African-American, 0.0027%; no homozygotes.

Submissions (2):

Labcorp Genetics (formerly Invitae), Labcorp
Classification: Uncertain significance for Atelosteogenesis type II; Multiple epiphyseal dysplasia type 4; Achondrogenesis, type IB; Diastrophic dysplasia. Last evaluated: 2025-05-19. Review status: criteria provided, single submitter. Criteria: Invitae Variant Classification Sherloc (09022015). Collection method: clinical testing. Allele origin: germline.
Comment: This sequence change replaces asparagine, which is neutral and polar, with serine, which is neutral and polar, at codon 301 of the SLC26A2 protein (p.Asn301Ser). This variant is present in population databases (rs750646790, gnomAD 0.003%). This variant has not been reported in the literature in individuals affected with SLC26A2-related conditions. ClinVar contains an entry for this variant (Variation ID: 1063114). Invitae Evidence Modeling of protein sequence and biophysical properties (such as structural, functional, and spatial information, amino acid conservation, physicochemical variation, residue mobility, and thermodynamic stability) indicates that this missense variant is not expected to disrupt SLC26A2 protein function with a negative predictive value of 80%. In summary, the available evidence is currently insufficient to determine the role of this variant in disease. Therefore, it has been classified as a Variant of Uncertain Significance.

Natera, Inc.
Classification: Uncertain significance for Achondrogenesis type IB. Last evaluated: 2020-02-26. Review status: no assertion criteria provided. Collection method: clinical testing. Allele origin: germline. Not counted in ClinVar's aggregate classification.